The following is an entry in ClinVar:

NM_001369.3(DNAH5):c.7737T>G (p.Ile2579Met)

Gene: DNAH5 (dynein axonemal heavy chain 5; minus strand). Cytogenetic location: 5p15.2.
Variant type: single nucleotide variant.
Coding change: c.7737T>G on transcript NM_001369.3 (MANE Select); coding-DNA position 7737, T replaced by G.
Protein change: p.Ile2579Met; replaces isoleucine 2579 with methionine.
Molecular consequence: missense variant.
Genome position (GRCh38, 1-based): chr5:13,809,059, A>C on the plus strand (T>G on the coding strand, the complement: DNAH5 is on the minus strand). VCF-style: chr5-13809059-A-C. GRCh37 (hg19) VCF-style: chr5-13809168-A-C.
Other names: short protein forms I2579M.
Identifiers: ClinVar variation 3600806 (VCV003600806.1).
Genomic context (GRCh38, chr5:13,809,059, plus strand): 5'-CTCCCCTTAAAATATGCTACAGTTAATAAAAATTAAAAGTCATACCTTGCCCTGTTTAGC[A>C]ATGGTTTGAATTAGAAAGTCAGTCCTCACATTGTCAACATTTGGCACCAGAATAGAACCA-3'
Protein context (NP_001360.1, residues 2569-2589): NVRTDFLIQT[Ile2579Met]AKQGKAVLLI

ClinVar aggregate classification (germline): Uncertain significance (1 of 4 stars; one submission).

gnomAD v4.1: 9 of 1,614,118 alleles (0.00056%); highest among the groups gnomAD compares: African/African-American, 0.0013%; no homozygotes.

Submission:

GeneDx
Classification: Uncertain significance. Last evaluated: 2024-07-22. Review status: criteria provided, single submitter. Criteria: GeneDx Variant Classification Process June 2021. Collection method: clinical testing. Allele origin: germline. Affected: yes.
Comment: Not observed at significant frequency in large population cohorts (gnomAD); In silico analysis indicates that this missense variant does not alter protein structure/function; Has not been previously published as pathogenic or benign to our knowledge